The following is an entry in ClinVar:

ClinVar aggregate classification (germline): Uncertain significance (1 of 4 stars; one submission).

Conditions:
3-methylglutaconic aciduria, type VIIB (MGCA7B). Also called: 3-methylglutaconic aciduria with cataracts, neurologic involvement and neutropenia; 3-methylglutaconic aciduria, type VII, with cataracts, neurologic involvement and neutropenia; CLPB Deficiency. Identifiers: Orphanet 445038, MedGen C5676893, MONDO:0014561, OMIM 616271.

Allele frequency attached by ClinVar (database versions not stated): gnomAD 0.00001; TOPMed 0.00001; gnomAD exomes 0.00003.
gnomAD v4.1: 39 of 1,613,774 alleles (0.0024%); highest among the groups gnomAD compares: Middle Eastern, 0.033%; no homozygotes.

Submission:

Labcorp Genetics (formerly Invitae), Labcorp
Classification: Uncertain significance for 3-methylglutaconic aciduria, type VIIB. Last evaluated: 2023-06-10. Review status: criteria provided, single submitter. Criteria: Invitae Variant Classification Sherloc (09022015). Collection method: clinical testing. Allele origin: germline.
Comment: This sequence change replaces tyrosine, which is neutral and polar, with cysteine, which is neutral and slightly polar, at codon 638 of the CLPB protein (p.Tyr638Cys). This variant is not present in population databases (gnomAD no frequency). This variant has not been reported in the literature in individuals affected with CLPB-related conditions. An algorithm developed to predict the effect of missense changes on protein structure and function (PolyPhen-2) suggests that this variant is likely to be disruptive. In summary, the available evidence is currently insufficient to determine the role of this variant in disease. Therefore, it has been classified as a Variant of Uncertain Significance.

NM_001258392.3(CLPB):c.1823A>G (p.Tyr608Cys)

Gene: CLPB (ClpB family mitochondrial disaggregase; minus strand). Cytogenetic location: 11q13.4.
Variant type: single nucleotide variant.
Coding change: c.1823A>G on transcript NM_001258392.3 (MANE Select); coding-DNA position 1823, A replaced by G.
Protein change: p.Tyr608Cys; replaces tyrosine 608 with cysteine.
Molecular consequence: missense variant.
Genome position (GRCh38, 1-based): chr11:72,293,578, T>C on the plus strand (A>G on the coding strand, the complement: CLPB is on the minus strand). VCF-style: chr11-72293578-T-C. GRCh37 (hg19) VCF-style: chr11-72004622-T-C.
Other names: c.1736A>G, p.Tyr579Cys (NM_001258393.3); c.1778A>G, p.Tyr593Cys (NM_001258394.3); c.1913A>G, p.Tyr638Cys (NM_030813.6); short protein forms Y579C, Y608C, Y638C, Y593C.
Identifiers: ClinVar variation 2918582 (VCV002918582.3), dbSNP rs924628232, ClinGen allele CA224385059.